The following is an entry in ClinVar:

NM_020120.4(UGGT1):c.276C>T (p.Asp92=)

Gene: UGGT1 (UDP-glucose glycoprotein glucosyltransferase 1; plus strand). Cytogenetic location: 2q14.3.
Variant type: single nucleotide variant.
Coding change: c.276C>T on transcript NM_020120.4 (MANE Select); coding-DNA position 276, C replaced by T.
Protein change: p.Asp92=; no amino-acid change (aspartic acid 92 retained).
Molecular consequence: synonymous variant. On other transcripts: non-coding transcript variant (1).
Genome position (GRCh38, 1-based): chr2:128,104,013, C>T. VCF-style: chr2-128104013-C-T. GRCh37 (hg19) VCF-style: chr2-128861587-C-T.
Identifiers: ClinVar variation 2651345 (VCV002651345.24), dbSNP rs149221713, ClinGen allele CA1866064.

ClinVar aggregate classification (germline): Likely benign (1 of 4 stars; one submission).

Allele frequency attached by ClinVar (database versions not stated): gnomAD exomes 0.00003; TOPMed 0.00005; ESP Exome Variant Server 0.00015.
gnomAD v4.1: 48 of 1,553,050 alleles (0.0031%); highest among the groups gnomAD compares: East Asian, 0.0072%; no homozygotes.

Submission:

CeGaT Center for Human Genetics Tuebingen
Classification: Likely benign. Last evaluated: 2022-08-01. Review status: criteria provided, single submitter. Criteria: CeGaT Center For Human Genetics Tuebingen Variant Classification Criteria Version 2. Collection method: clinical testing. Allele origin: germline. Affected: yes. Observed: 1 variant allele.
Comment: UGGT1: BP4, BP7